The following is an entry in ClinVar:

ClinVar aggregate classification (germline): Likely benign (1 of 4 stars; one submission).

Conditions:
MELAS syndrome (MELAS). Also called: Juvenile myopathy, encephalopathy, lactic acidosis, stroke. Identifiers: Orphanet 550, MedGen C0162671, MONDO:0010789, OMIM 540000.

Submission:

Wong Mito Lab, Molecular and Human Genetics, Baylor College of Medicine
Classification: Likely benign for MELAS syndrome. Last evaluated: 2019-07-12. Review status: criteria provided, single submitter. Criteria: Modified ACMG Guidelines (Unpublished). Collection method: clinical testing. Allele origin: germline.
Comment: The NC_012920.1:m.15992A>T variant in MT-TP gene is interpreted to be a Likely Benign variant based on the modified ACMG guidelines (unpublished). This variant meets the following evidence codes reported in the guidelines: BP4, BP6

Literature cited by the submitters: PubMed 31965079.

NC_012920.1(MT-TP):m.15992A>T

Gene: MT-TP (mitochondrially encoded tRNA proline; minus strand).
Variant type: single nucleotide variant.
Genome position: chrM-15992-A-T.
Identifiers: ClinVar variation 690268 (VCV000690268.1), dbSNP rs1556424718, ClinGen allele CA913175391.
Genomic context (GRCh38, chrMT:15,992, plus strand): 5'-TGAAAACCTTTTTCCAAGGACAAATCAGAGAAAAAGTCTTTAACTCCACCATTAGCACCC[A>T]AAGCTAAGATTCTAATTTAAACTATTCTCTGTTCTTTCATGGGGAAGCAGATTTGGGTAC-3'